The following is an entry in ClinVar:

ClinVar aggregate classification (germline): Uncertain significance (1 of 4 stars; one submission).

Conditions:
Aicardi-Goutieres syndrome 5. Identifiers: Orphanet 51, MedGen C2749659, MONDO:0013059, OMIM 612952.

Allele frequency attached by ClinVar (database versions not stated): gnomAD exomes below 0.00001.
gnomAD v4.1: 2 of 1,613,526 alleles (0.00012%); highest among the groups gnomAD compares: Non-Finnish European, 0.00017%; no homozygotes.

Submission:

Labcorp Genetics (formerly Invitae), Labcorp
Classification: Uncertain significance for Aicardi-Goutieres syndrome 5. Last evaluated: 2022-09-01. Review status: criteria provided, single submitter. Criteria: Invitae Variant Classification Sherloc (09022015). Collection method: clinical testing. Allele origin: germline.
Comment: This sequence change replaces serine, which is neutral and polar, with alanine, which is neutral and non-polar, at codon 283 of the SAMHD1 protein (p.Ser283Ala). This variant is not present in population databases (gnomAD no frequency). This variant has not been reported in the literature in individuals affected with SAMHD1-related conditions. ClinVar contains an entry for this variant (Variation ID: 1345516). Algorithms developed to predict the effect of missense changes on protein structure and function output the following: SIFT: "Tolerated"; PolyPhen-2: "Benign"; Align-GVGD: "Class C0". The alanine amino acid residue is found in multiple mammalian species, which suggests that this missense change does not adversely affect protein function. In summary, the available evidence is currently insufficient to determine the role of this variant in disease. Therefore, it has been classified as a Variant of Uncertain Significance.

NM_015474.4(SAMHD1):c.847T>G (p.Ser283Ala)

Gene: SAMHD1 (SAM and HD domain containing deoxynucleoside triphosphate triphosphohydrolase 1; minus strand). Cytogenetic location: 20q11.23.
Variant type: single nucleotide variant.
Coding change: c.847T>G on transcript NM_015474.4 (MANE Select); coding-DNA position 847, T replaced by G.
Protein change: p.Ser283Ala; replaces serine 283 with alanine.
Molecular consequence: missense variant.
Genome position (GRCh38, 1-based): chr20:36,919,369, A>C on the plus strand (T>G on the coding strand, the complement: SAMHD1 is on the minus strand). VCF-style: chr20-36919369-A-C. GRCh37 (hg19) VCF-style: chr20-35547772-A-C.
Other names: c.847T>G, p.Ser283Ala (NM_001363729.2, NM_001363733.2); short protein forms S283A.
Identifiers: ClinVar variation 1345516 (VCV001345516.5), dbSNP rs2146119399, ClinGen allele CA408846071.